The following is an entry in ClinVar:

NM_000147.5(FUCA1):c.216G>A (p.Trp72Ter)

Gene: FUCA1 (alpha-L-fucosidase 1; minus strand). Cytogenetic location: 1p36.11.
Variant type: single nucleotide variant.
Coding change: c.216G>A on transcript NM_000147.5 (MANE Select); coding-DNA position 216, G replaced by A.
Protein change: p.Trp72Ter; replaces tryptophan 72 with a stop codon.
Molecular consequence: nonsense. On other transcripts: non-coding transcript variant (4).
Genome position (GRCh38, 1-based): chr1:23,868,071, C>T on the plus strand (G>A on the coding strand, the complement: FUCA1 is on the minus strand). VCF-style: chr1-23868071-C-T. GRCh37 (hg19) VCF-style: chr1-24194561-C-T.
Other names: short protein forms W72*.
Identifiers: ClinVar variation 2585036 (VCV002585036.1), dbSNP rs781660340, ClinGen allele CA686602.

ClinVar aggregate classification (germline): Likely pathogenic (1 of 4 stars; one submission).

Conditions:
Fucosidosis. Also called: ALPHA-L-FUCOSIDASE DEFICIENCY. Identifiers: Orphanet 349, MedGen C0016788, MONDO:0009254, OMIM 230000.

Allele frequency attached by ClinVar (database versions not stated): gnomAD exomes below 0.00001; ExAC 0.00001.
gnomAD v4.1: 1 of 1,611,676 alleles (0.000062%); highest among the groups gnomAD compares: Non-Finnish European, 0.000085%; no homozygotes.

Submission:

Neuberg Centre For Genomic Medicine, NCGM
Classification: Likely pathogenic for Fucosidosis. Review status: criteria provided, single submitter. Criteria: ACMG Guidelines, 2015. Collection method: clinical testing. Allele origin: germline. Inheritance: Autosomal recessive inheritance. Affected: yes.
Comment: The stop gained variant c.216G>A (p.Trp72Ter) in FUCA1 gene has not been reported previously as a pathogenic variant nor as a benign variant, to our knowledge. The c.216G>A variant is reported with allele frequency 0.0004% in gnomAD exomes and novel in 1000 Genomes. The nucleotide change c.216G>A in FUCA1 is predicted as conserved by GERP++ and PhyloP across 100 vertebrates. This variant is predicted to cause loss of normal protein function. Loss of function variants have been previously reported to be disease causing. For these reasons, this variant has been classified as Likely pathogenic . In the absence of another reportable variant , the molecular diagnosis is not confirmed